The following is an entry in ClinVar:

ClinVar aggregate classification (germline): Uncertain significance (1 of 4 stars; one submission).

Conditions:
Tuberous sclerosis 2 (TSC2). Identifiers: Orphanet 805, MedGen C1860707, MONDO:0013199, OMIM 613254.

Allele frequency attached by ClinVar (database versions not stated): gnomAD exomes below 0.00001; TOPMed below 0.00001.
gnomAD v4.1: 1 of 1,607,596 alleles (0.000062%); highest among the groups gnomAD compares: Non-Finnish European, 0.000085%; no homozygotes.

Submission:

Labcorp Genetics (formerly Invitae), Labcorp
Classification: Uncertain significance for Tuberous sclerosis 2. Last evaluated: 2021-04-13. Review status: criteria provided, single submitter. Criteria: Invitae Variant Classification Sherloc (09022015). Collection method: clinical testing. Allele origin: germline.
Comment: This sequence change replaces glutamic acid with lysine at codon 1313 of the TSC2 protein (p.Glu1313Lys). The glutamic acid residue is moderately conserved and there is a small physicochemical difference between glutamic acid and lysine. This variant is not present in population databases (ExAC no frequency). This variant has not been reported in the literature in individuals with TSC2-related conditions. Advanced modeling of protein sequence and biophysical properties (such as structural, functional, and spatial information, amino acid conservation, physicochemical variation, residue mobility, and thermodynamic stability) performed at Invitae indicates that this missense variant is not expected to disrupt TSC2 protein function. In summary, the available evidence is currently insufficient to determine the role of this variant in disease. Therefore, it has been classified as a Variant of Uncertain Significance.

NM_000548.5(TSC2):c.3937G>A (p.Glu1313Lys)

Gene: TSC2 (TSC complex subunit 2; plus strand). Cytogenetic location: 16p13.3.
Variant type: single nucleotide variant.
Coding change: c.3937G>A on transcript NM_000548.5 (MANE Select); coding-DNA position 3937, G replaced by A.
Protein change: p.Glu1313Lys; replaces glutamic acid 1313 with lysine.
Molecular consequence: missense variant.
Genome position (GRCh38, 1-based): chr16:2,083,748, G>A. VCF-style: chr16-2083748-G-A. GRCh37 (hg19) VCF-style: chr16-2133749-G-A.
Other names: c.3736G>A, p.Glu1246Lys (NM_001077183.3); c.3868G>A, p.Glu1290Lys (NM_001114382.3); c.3628G>A, p.Glu1210Lys (NM_001318827.2); c.3592G>A, p.Glu1198Lys (NM_001318829.2); c.3205G>A, p.Glu1069Lys (NM_001318831.2); c.3769G>A, p.Glu1257Lys (NM_001318832.2); c.3739G>A, p.Glu1247Lys (NM_001363528.2); c.3805G>A, p.Glu1269Lys (NM_001370404.1); and 1 more; short protein forms E1069K, E1198K, E1247K, E1257K, E1290K, E1313K, E1210K, E1270K.
Identifiers: ClinVar variation 1421322 (VCV001421322.8), dbSNP rs45517321, ClinGen allele CA394297290.
Genomic context (GRCh38, chr16:2,083,748, plus strand): 5'-CTCCCAGACTCCGCCGTGGTCATGGAGGAGGGAAGTCCGGGCGAGGTTCCTGTGCTGGTG[G>A]AGCCCCCAGGGTTGGAGGACGTTGAGGCAGCGCTAGGCATGGACAGGCGCACGGATGCCT-3'
Protein context (NP_000539.2, residues 1303-1323): GSPGEVPVLV[Glu1313Lys]PPGLEDVEAA